The following is an entry in ClinVar:

NM_002764.4(PRPS1):c.940A>T (p.Ser314Cys)

Gene: PRPS1 (phosphoribosyl pyrophosphate synthetase 1; plus strand). Cytogenetic location: Xq22.3.
Variant type: single nucleotide variant.
Coding change: c.940A>T on transcript NM_002764.4 (MANE Select); coding-DNA position 940, A replaced by T.
Protein change: p.Ser314Cys; replaces serine 314 with cysteine.
Molecular consequence: missense variant.
Genome position (GRCh38, 1-based): chrX:107,650,015, A>T. VCF-style: chrX-107650015-A-T. GRCh37 (hg19) VCF-style: chrX-106893245-A-T.
Other names: c.328A>T, p.Ser110Cys (NM_001204402.2); short protein forms S110C, S314C.
Identifiers: ClinVar variation 2118539 (VCV002118539.4), dbSNP rs2521353977, ClinGen allele CA413816808.

ClinVar aggregate classification (germline): Uncertain significance (1 of 4 stars; one submission).

Conditions:
Charcot-Marie-Tooth Neuropathy X. Identifiers: MedGen CN118851.

Submission:

Labcorp Genetics (formerly Invitae), Labcorp
Classification: Uncertain significance for Charcot-Marie-Tooth Neuropathy X. Last evaluated: 2024-01-22. Review status: criteria provided, single submitter. Criteria: Invitae Variant Classification Sherloc (09022015). Collection method: clinical testing. Allele origin: germline.
Comment: This sequence change replaces serine, which is neutral and polar, with cysteine, which is neutral and slightly polar, at codon 314 of the PRPS1 protein (p.Ser314Cys). This variant is not present in population databases (gnomAD no frequency). This variant has not been reported in the literature in individuals affected with PRPS1-related conditions. ClinVar contains an entry for this variant (Variation ID: 2118539). An algorithm developed to predict the effect of missense changes on protein structure and function (PolyPhen-2) suggests that this variant is likely to be tolerated. In summary, the available evidence is currently insufficient to determine the role of this variant in disease. Therefore, it has been classified as a Variant of Uncertain Significance.